The following is an entry in ClinVar:

ClinVar aggregate classification (germline): Uncertain significance (1 of 4 stars; one submission).

Conditions:
Hereditary cancer-predisposing syndrome. Also called: Tumor predisposition; Hereditary Cancer Syndrome; Hereditary neoplastic syndrome; Neoplastic Syndromes, Hereditary. Identifiers: Orphanet 140162, MedGen C0027672, MeSH D009386, MONDO:0015356.

Submission:

Ambry Genetics
Classification: Uncertain significance for Hereditary cancer-predisposing syndrome. Last evaluated: 2025-10-02. Review status: criteria provided, single submitter. Criteria: Ambry Variant Classification Scheme 2023. Collection method: clinical testing. Allele origin: germline.
Comment: The p.E1602D variant (also known as c.4806G>C), located in coding exon 36 of the TSC2 gene, results from a G to C substitution at nucleotide position 4806. The glutamic acid at codon 1602 is replaced by aspartic acid, an amino acid with highly similar properties. This amino acid position is conserved. In addition, the in silico prediction for this alteration is inconclusive. Based on the available evidence, the clinical significance of this variant remains unclear.

NM_000548.5(TSC2):c.4806G>C (p.Glu1602Asp)

Gene: TSC2 (TSC complex subunit 2; plus strand). Cytogenetic location: 16p13.3.
Variant type: single nucleotide variant.
Coding change: c.4806G>C on transcript NM_000548.5 (MANE Select); coding-DNA position 4806, G replaced by C.
Protein change: p.Glu1602Asp; replaces glutamic acid 1602 with aspartic acid.
Molecular consequence: missense variant. On other transcripts: non-coding transcript variant (5).
Genome position (GRCh38, 1-based): chr16:2,086,336, G>C. VCF-style: chr16-2086336-G-C. GRCh37 (hg19) VCF-style: chr16-2136337-G-C.
Other names: c.4605G>C, p.Glu1535Asp (NM_001077183.3); c.4737G>C, p.Glu1579Asp (NM_001114382.3); c.4497G>C, p.Glu1499Asp (NM_001318827.2); c.4461G>C, p.Glu1487Asp (NM_001318829.2); c.4074G>C, p.Glu1358Asp (NM_001318831.2); c.4638G>C, p.Glu1546Asp (NM_001318832.2); c.4608G>C, p.Glu1536Asp (NM_001363528.2); c.4674G>C, p.Glu1558Asp (NM_001370404.1); and 26 more; short protein forms E1001D, E1131D, E1335D, E1379D, E1529D, E1536D, E1542D, E1566D.
Identifiers: ClinVar variation 4556816 (VCV004556816.1).